The following is an entry in ClinVar:

NM_015114.3(ANKLE2):c.601G>T (p.Gly201Trp)

Gene: ANKLE2 (ankyrin repeat and LEM domain containing 2; minus strand). Cytogenetic location: 12q24.33.
Variant type: single nucleotide variant.
Coding change: c.601G>T on transcript NM_015114.3 (MANE Select); coding-DNA position 601, G replaced by T.
Protein change: p.Gly201Trp; replaces glycine 201 with tryptophan.
Molecular consequence: missense variant.
Genome position (GRCh38, 1-based): chr12:132,754,714, C>A on the plus strand (G>T on the coding strand, the complement: ANKLE2 is on the minus strand). VCF-style: chr12-132754714-C-A. GRCh37 (hg19) VCF-style: chr12-133331300-C-A.
Other names: p.Gly201Trp; short protein forms G201W.
Identifiers: ClinVar variation 635194 (VCV000635194.4), dbSNP rs1185537869, ClinGen allele CA387361750.
Genomic context (GRCh38, chr12:132,754,714, plus strand): 5'-TCCTACACACGGTCCCATTACCATTTCTCGCTGGGACGTCCTCATACACTGGACACACCC[C>A]ATAGTACAGGGGCGGCTCCTTAGACGCAGTCGCTCCAGCTCTGTAGGTGTCGGTGTCACT-3'
Protein context (NP_055929.1, residues 191-211): TASKEPPLYY[Gly201Trp]VCPVYEDVPA

ClinVar aggregate classification (germline): Likely pathogenic. Review status: criteria provided, single submitter (1 of 4 stars). 2 submissions from 2 submitters: Likely pathogenic (1). 1 of the submissions does not count toward it. Last evaluated 2024-08-17.

Conditions:
Microcephaly 16, primary, autosomal recessive (MCPH16). Identifiers: Orphanet 2512, MedGen C4225249, MONDO:0014730, OMIM 616681.

gnomAD v4.1: 1 of 1,613,930 alleles (0.000062%); highest among the groups gnomAD compares: South Asian, 0.0011%; no homozygotes.

Submissions (2):

Foundation for Research in Genetics and Endocrinology, FRIGE's Institute of Human Genetics
Classification: Likely pathogenic for Microcephaly 16, primary, autosomal recessive. Last evaluated: 2024-08-17. Review status: criteria provided, single submitter. Criteria: ACMG Guidelines, 2015. Collection method: clinical testing. Allele origin: germline. Inheritance: Autosomal recessive inheritance. Affected: yes. Observed: 1 homozygote.
Comment: A homozygous missense variant c.601G>T (p.Gly201Trp) in exon 2 of the ANKLE2 gene that results in the amino acid substitution of Tryptophan for Glycine at codon 201 was detected. This variant has not been reported in the 1000 genomes and gnomAD databases. The in-silico prediction of the variant is damaging by LRT, MutationTaster2, SIFT. In summary, the variant meets our criteria to be classified as likely pathogenic.

OMIM
Classification: Pathogenic for MICROCEPHALY 16, PRIMARY, AUTOSOMAL RECESSIVE. Last evaluated: 2023-02-24. Review status: no assertion criteria provided. Collection method: literature only. Allele origin: germline. Not counted in ClinVar's aggregate classification.

Literature cited by the submitters: PubMed 30214071 (cited by OMIM).